The following is an entry in ClinVar:

ClinVar aggregate classification (germline): Uncertain significance. Review status: criteria provided, multiple submitters, no conflicts (2 of 4 stars). 2 submissions from 2 submitters: Uncertain significance (2). Last evaluated 2025-07-29.

Conditions:
Familial cancer of breast. Also called: BREAST CANCER, FAMILIAL; hereditary breast carcinoma; Hereditary breast cancer. Identifiers: Orphanet 227535, MedGen C0346153, MONDO:0016419, OMIM 114480. Disease mechanism: loss of function.
Hereditary cancer-predisposing syndrome. Also called: Neoplastic Syndromes, Hereditary; Hereditary Cancer Syndrome; Tumor predisposition; Hereditary neoplastic syndrome. Identifiers: Orphanet 140162, MedGen C0027672, MeSH D009386, MONDO:0015356.

Submissions (2):

Labcorp Genetics (formerly Invitae), Labcorp
Classification: Uncertain significance for Familial cancer of breast. Last evaluated: 2025-07-29. Review status: criteria provided, single submitter. Criteria: Invitae Variant Classification Sherloc (09022015). Collection method: clinical testing. Allele origin: germline.
Comment: This sequence change replaces lysine, which is basic and polar, with asparagine, which is neutral and polar, at codon 441 of the PALB2 protein (p.Lys441Asn). This variant is not present in population databases (gnomAD no frequency). This variant has not been reported in the literature in individuals affected with PALB2-related conditions. ClinVar contains an entry for this variant (Variation ID: 2848465). Invitae Evidence Modeling of protein sequence and biophysical properties (such as structural, functional, and spatial information, amino acid conservation, physicochemical variation, residue mobility, and thermodynamic stability) indicates that this missense variant is expected to disrupt PALB2 protein function with a positive predictive value of 80%. In summary, the available evidence is currently insufficient to determine the role of this variant in disease. Therefore, it has been classified as a Variant of Uncertain Significance.

Ambry Genetics
Classification: Uncertain significance for Hereditary cancer-predisposing syndrome. Last evaluated: 2024-11-23. Review status: criteria provided, single submitter. Criteria: Ambry Variant Classification Scheme 2023. Collection method: clinical testing. Allele origin: germline.
Comment: The p.K441N variant (also known as c.1323A>T), located in coding exon 4 of the PALB2 gene, results from an A to T substitution at nucleotide position 1323. The lysine at codon 441 is replaced by asparagine, an amino acid with similar properties. This amino acid position is conserved. In addition, this alteration is predicted to be tolerated by in silico analysis. Based on the available evidence, the clinical significance of this variant remains unclear.

NM_024675.4(PALB2):c.1323A>T (p.Lys441Asn)

Gene: PALB2 (partner and localizer of BRCA2; minus strand). Cytogenetic location: 16p12.2.
Variant type: single nucleotide variant.
Coding change: c.1323A>T on transcript NM_024675.4 (MANE Select); coding-DNA position 1323, A replaced by T.
Protein change: p.Lys441Asn; replaces lysine 441 with asparagine.
Molecular consequence: missense variant. On other transcripts: intron variant (3).
Genome position (GRCh38, 1-based): chr16:23,635,223, T>A on the plus strand (A>T on the coding strand, the complement: PALB2 is on the minus strand). VCF-style: chr16-23635223-T-A. GRCh37 (hg19) VCF-style: chr16-23646544-T-A.
Other names: c.1263A>T, p.Lys421Asn (NM_001407296.1); c.1323A>T, p.Lys441Asn (NM_001407297.1, NM_001407298.1, NM_001407299.1 and 3 more transcripts); c.438A>T, p.Lys146Asn (NM_001407304.1, NM_001407305.1, NM_001407306.1 and 5 more transcripts); c.48+5887A>T (NM_001407314.1); c.-104-4754A>T (NM_001407313.1, NM_001407312.1); short protein forms K421N, K441N, K146N.
Identifiers: ClinVar variation 2848465 (VCV002848465.4), dbSNP rs2142419361, ClinGen allele CA395132314.